The following is an entry in ClinVar:

ClinVar aggregate classification (germline): Uncertain significance. Review status: criteria provided, multiple submitters, no conflicts (2 of 4 stars). 7 submissions from 7 submitters: Uncertain significance (7). Last evaluated 2025-10-08.

Conditions:
Muscular dystrophy-dystroglycanopathy (congenital with brain and eye anomalies), type A2. Also called: MUSCULAR DYSTROPHY-DYSTROGLYCANOPATHY (CONGENITAL WITH BRAIN AND EYE ANOMALIES), TYPE A, 2; WALKER-WARBURG SYNDROME OR MUSCLE-EYE-BRAIN DISEASE, POMT2-RELATED. Identifiers: Orphanet 588, Orphanet 899, MedGen C3150411, MONDO:0013154, OMIM 613150.
Muscular dystrophy-dystroglycanopathy (congenital with impaired intellectual development), type B, 2. Also called: Muscular dystrophy-dystroglycanopathy (congenital with intellectual disability), type B2; MUSCULAR DYSTROPHY, CONGENITAL, POMT2-RELATED. Identifiers: MedGen C3150416, MONDO:0013160, OMIM 613156.
Autosomal recessive limb-girdle muscular dystrophy type 2N. Also called: Muscular dystrophy-dystroglycanopathy (limb-girdle), type C, 2; MUSCULAR DYSTROPHY-DYSTROGLYCANOPATHY, LIMB-GIRDLE, POMT2-RELATED. Identifiers: Orphanet 206559, MedGen C3150418, MONDO:0013162, OMIM 613158.
Inborn genetic diseases. Identifiers: MedGen C0950123, MeSH D030342.

Allele frequency attached by ClinVar (database versions not stated): TOPMed 0.00008; ExAC 0.00009; gnomAD exomes 0.00010; gnomAD 0.00009 and 0.00007.
gnomAD v4.1: 159 of 1,613,810 alleles (0.0099%); highest among the groups gnomAD compares: Non-Finnish European, 0.011%; no homozygotes.

Submissions (7):

Labcorp Genetics (formerly Invitae), Labcorp
Classification: Uncertain significance for Muscular dystrophy-dystroglycanopathy (congenital with impaired intellectual development), type B, 2; Muscular dystrophy-dystroglycanopathy (congenital with brain and eye anomalies), type A2; Autosomal recessive limb-girdle muscular dystrophy type 2N. Last evaluated: 2025-10-08. Review status: criteria provided, single submitter. Criteria: Invitae Variant Classification Sherloc (09022015). Collection method: clinical testing. Allele origin: germline.
Comment: This sequence change replaces valine, which is neutral and non-polar, with phenylalanine, which is neutral and non-polar, at codon 660 of the POMT2 protein (p.Val660Phe). This variant is present in population databases (rs200690151, gnomAD 0.04%). This variant has not been reported in the literature in individuals affected with POMT2-related conditions. ClinVar contains an entry for this variant (Variation ID: 972468). Invitae Evidence Modeling of protein sequence and biophysical properties (such as structural, functional, and spatial information, amino acid conservation, physicochemical variation, residue mobility, and thermodynamic stability) has been performed for this missense variant. However, the output from this modeling did not meet the statistical confidence thresholds required to predict the impact of this variant on POMT2 protein function. In summary, the available evidence is currently insufficient to determine the role of this variant in disease. Therefore, it has been classified as a Variant of Uncertain Significance.

Blueprint Genetics
Classification: Uncertain significance. Last evaluated: 2024-09-03. Review status: criteria provided, single submitter. Criteria: ACMG Guidelines, 2015. Collection method: clinical testing. Allele origin: germline.

Fulgent Genetics
Classification: Uncertain significance for Muscular dystrophy-dystroglycanopathy (congenital with brain and eye anomalies), type A2; Muscular dystrophy-dystroglycanopathy (congenital with impaired intellectual development), type B, 2; Autosomal recessive limb-girdle muscular dystrophy type 2N. Last evaluated: 2024-01-19. Review status: criteria provided, single submitter. Criteria: ACMG Guidelines, 2015. Collection method: clinical testing. Allele origin: germline.

GeneDx
Classification: Uncertain significance. Last evaluated: 2022-08-27. Review status: criteria provided, single submitter. Criteria: GeneDx Variant Classification Process June 2021. Collection method: clinical testing. Allele origin: germline. Affected: yes.
Comment: In silico analysis supports that this missense variant has a deleterious effect on protein structure/function; Has not been previously published as pathogenic or benign to our knowledge

Ambry Genetics
Classification: Uncertain significance for Inborn genetic diseases. Last evaluated: 2022-07-19. Review status: criteria provided, single submitter. Criteria: Ambry Variant Classification Scheme 2023. Collection method: clinical testing. Allele origin: germline.

Baylor Genetics
Classification: Uncertain significance for Muscular dystrophy-dystroglycanopathy (congenital with brain and eye anomalies), type A2. Last evaluated: 2020-08-06. Review status: criteria provided, single submitter. Criteria: ACMG Guidelines, 2015. Collection method: clinical testing. Allele origin: unknown. Affected: yes.
Comment: This variant was determined to be of uncertain significance according to ACMG Guidelines, 2015 [PMID:25741868].

Revvity Omics, Revvity
Classification: Uncertain significance. Last evaluated: 2019-10-16. Review status: criteria provided, single submitter. Criteria: ACMG Guidelines, 2015. Collection method: clinical testing. Allele origin: germline.

NM_013382.7(POMT2):c.1978G>T (p.Val660Phe)

Gene: POMT2 (protein O-mannosyltransferase 2; minus strand). Cytogenetic location: 14q24.3.
Variant type: single nucleotide variant.
Coding change: c.1978G>T on transcript NM_013382.7 (MANE Select); coding-DNA position 1978, G replaced by T.
Protein change: p.Val660Phe; replaces valine 660 with phenylalanine.
Molecular consequence: missense variant.
Genome position (GRCh38, 1-based): chr14:77,278,783, C>A on the plus strand (G>T on the coding strand, the complement: POMT2 is on the minus strand). VCF-style: chr14-77278783-C-A. GRCh37 (hg19) VCF-style: chr14-77745126-C-A.
Other names: short protein forms V660F.
Identifiers: ClinVar variation 972468 (VCV000972468.15), dbSNP rs200690151, ClinGen allele CA7285579.